The following is an entry in ClinVar:

NM_024312.5(GNPTAB):c.3175A>G (p.Lys1059Glu)

Gene: GNPTAB (N-acetylglucosamine-1-phosphate transferase subunits alpha and beta; minus strand). Cytogenetic location: 12q23.2.
Variant type: single nucleotide variant.
Coding change: c.3175A>G on transcript NM_024312.5 (MANE Select); coding-DNA position 3175, A replaced by G.
Protein change: p.Lys1059Glu; replaces lysine 1059 with glutamic acid.
Molecular consequence: missense variant.
Genome position (GRCh38, 1-based): chr12:101,760,104, T>C on the plus strand (A>G on the coding strand, the complement: GNPTAB is on the minus strand). VCF-style: chr12-101760104-T-C. GRCh37 (hg19) VCF-style: chr12-102153882-T-C.
Other names: short protein forms K1059E.
Identifiers: ClinVar variation 2085624 (VCV002085624.3), dbSNP rs1316290374, ClinGen allele CA386294813.

ClinVar aggregate classification (germline): Uncertain significance (1 of 4 stars; one submission).

Conditions:
Pseudo-Hurler polydystrophy. Also called: MUCOLIPIDOSIS IIIA; ML III; ML III ALPHA/BETA; Type III Mucolipidosis; ML IIIA; Mucolipidosis III Alpha/Beta. Identifiers: Orphanet 423461, Orphanet 577, MedGen C0033788, MONDO:0018931, OMIM 252600.
Mucolipidosis type II. Also called: Mucolipidosis II Alpha/Beta; ML II ALPHA/BETA; Mucolipidosis 2; ML 2; Inclusion cell disease; Leroy Disease. Identifiers: Orphanet 576, MedGen C2673377, MONDO:0009650, OMIM 252500.

Allele frequency attached by ClinVar (database versions not stated): gnomAD exomes below 0.00001; TOPMed 0.00002; gnomAD 0.00001.
gnomAD v4.1: 7 of 1,613,294 alleles (0.00043%); highest among the groups gnomAD compares: Non-Finnish European, 0.00059%; no homozygotes.

Submission:

Labcorp Genetics (formerly Invitae), Labcorp
Classification: Uncertain significance for Pseudo-Hurler polydystrophy; Mucolipidosis type II. Last evaluated: 2024-10-28. Review status: criteria provided, single submitter. Criteria: Invitae Variant Classification Sherloc (09022015). Collection method: clinical testing. Allele origin: germline.
Comment: This sequence change replaces lysine, which is basic and polar, with glutamic acid, which is acidic and polar, at codon 1059 of the GNPTAB protein (p.Lys1059Glu). This variant is not present in population databases (gnomAD no frequency). This variant has not been reported in the literature in individuals affected with GNPTAB-related conditions. ClinVar contains an entry for this variant (Variation ID: 2085624). Invitae Evidence Modeling of protein sequence and biophysical properties (such as structural, functional, and spatial information, amino acid conservation, physicochemical variation, residue mobility, and thermodynamic stability) indicates that this missense variant is expected to disrupt GNPTAB protein function with a positive predictive value of 80%. In summary, the available evidence is currently insufficient to determine the role of this variant in disease. Therefore, it has been classified as a Variant of Uncertain Significance.